The following is an entry in ClinVar:

NM_024027.5(COLEC11):c.527C>T (p.Thr176Met)

Gene: COLEC11 (collectin subfamily member 11; plus strand). Cytogenetic location: 2p25.3.
Variant type: single nucleotide variant.
Coding change: c.527C>T on transcript NM_024027.5 (MANE Select); coding-DNA position 527, C replaced by T.
Protein change: p.Thr176Met; replaces threonine 176 with methionine.
Molecular consequence: missense variant. On other transcripts: non-coding transcript variant (1).
Genome position (GRCh38, 1-based): chr2:3,643,829, C>T. VCF-style: chr2-3643829-C-T. GRCh37 (hg19) VCF-style: chr2-3691419-C-T.
Other names: c.455C>T, p.Thr152Met (NM_001255982.2, NM_001255983.2); c.383C>T, p.Thr128Met (NM_001255984.2); c.569C>T, p.Thr190Met (NM_001255985.1); c.449C>T, p.Thr150Met (NM_001255986.1); c.377C>T, p.Thr126Met (NM_001255987.1, NM_001255988.1); c.305C>T, p.Thr102Met (NM_001255989.1); c.518C>T, p.Thr173Met (NM_199235.3); short protein forms T176M, T126M, T128M, T190M, T102M, T150M, T173M, T152M.
Identifiers: ClinVar variation 4232639 (VCV004232639.2).

ClinVar aggregate classification (germline): Uncertain significance. Review status: criteria provided, multiple submitters, no conflicts (2 of 4 stars). 2 submissions from 2 submitters: Uncertain significance (2). Last evaluated 2025-08-03.

Conditions:
Inborn genetic diseases. Identifiers: MedGen C0950123, MeSH D030342.

gnomAD v4.1: 24 of 1,613,412 alleles (0.0015%); highest among the groups gnomAD compares: East Asian, 0.016%; no homozygotes.

Submissions (2):

Labcorp Genetics (formerly Invitae), Labcorp
Classification: Uncertain significance. Last evaluated: 2025-08-03. Review status: criteria provided, single submitter. Criteria: Invitae Variant Classification Sherloc (09022015). Collection method: clinical testing. Allele origin: germline.
Comment: This sequence change replaces threonine, which is neutral and polar, with methionine, which is neutral and non-polar, at codon 176 of the COLEC11 protein (p.Thr176Met). This variant is present in population databases (rs769978108, gnomAD 0.02%). This variant has not been reported in the literature in individuals affected with COLEC11-related conditions. Invitae Evidence Modeling of protein sequence and biophysical properties (such as structural, functional, and spatial information, amino acid conservation, physicochemical variation, residue mobility, and thermodynamic stability) indicates that this missense variant is not expected to disrupt COLEC11 protein function with a negative predictive value of 80%. In summary, the available evidence is currently insufficient to determine the role of this variant in disease. Therefore, it has been classified as a Variant of Uncertain Significance.

Ambry Genetics
Classification: Uncertain significance for Inborn genetic diseases. Last evaluated: 2025-06-17. Review status: criteria provided, single submitter. Criteria: Ambry Variant Classification Scheme 2023. Collection method: clinical testing. Allele origin: germline.